The following is an entry in ClinVar:

NM_000206.3(IL2RG):c.226A>G (p.Ser76Gly)

Gene: IL2RG (interleukin 2 receptor subunit gamma; minus strand). Cytogenetic location: Xq13.1.
Variant type: single nucleotide variant.
Coding change: c.226A>G on transcript NM_000206.3 (MANE Select); coding-DNA position 226, A replaced by G.
Protein change: p.Ser76Gly; replaces serine 76 with glycine.
Molecular consequence: missense variant.
Genome position (GRCh38, 1-based): chrX:71,110,940, T>C on the plus strand (A>G on the coding strand, the complement: IL2RG is on the minus strand). VCF-style: chrX-71110940-T-C. GRCh37 (hg19) VCF-style: chrX-70330790-T-C.
Other names: short protein forms S76G.
Identifiers: ClinVar variation 969920 (VCV000969920.8), dbSNP rs745652226, ClinGen allele CA10443911.

ClinVar aggregate classification (germline): Uncertain significance. Review status: criteria provided, single submitter (1 of 4 stars). 2 submissions from 2 submitters: Uncertain significance (1). 1 of the submissions does not count toward it. Last evaluated 2025-11-10.

Conditions:
X-linked severe combined immunodeficiency (SCIDX1). Also called: X-Linked Combined Immunodeficiency Diseases; IMMUNODEFICIENCY 4; SCID, X-LINKED; SEVERE COMBINED IMMUNODEFICIENCY, X-LINKED, T CELL-NEGATIVE, B CELL-POSITIVE, NK CELL-NEGATIVE; T-B+ severe combined immunodeficiency due to gamma chain deficiency. Identifiers: Orphanet 276, MedGen C6022468, MONDO:0010315, OMIM 300400. Disease mechanism: loss of function.

Allele frequency attached by ClinVar (database versions not stated): ExAC 0.00001; gnomAD 0.00001 and 0.00002; gnomAD exomes 0.00001.

Submissions (2):

Labcorp Genetics (formerly Invitae), Labcorp
Classification: Uncertain significance for X-linked severe combined immunodeficiency. Last evaluated: 2025-11-10. Review status: criteria provided, single submitter. Criteria: Invitae Variant Classification Sherloc (09022015). Collection method: clinical testing. Allele origin: germline.
Comment: This sequence change replaces serine, which is neutral and polar, with glycine, which is neutral and non-polar, at codon 76 of the IL2RG protein (p.Ser76Gly). This variant is present in population databases (rs745652226, gnomAD 0.003%). This variant has not been reported in the literature in individuals affected with IL2RG-related conditions. ClinVar contains an entry for this variant (Variation ID: 969920). Invitae Evidence Modeling of protein sequence and biophysical properties (such as structural, functional, and spatial information, amino acid conservation, physicochemical variation, residue mobility, and thermodynamic stability) indicates that this missense variant is not expected to disrupt IL2RG protein function with a negative predictive value of 95%. In summary, the available evidence is currently insufficient to determine the role of this variant in disease. Therefore, it has been classified as a Variant of Uncertain Significance.

Natera, Inc.
Classification: Uncertain significance for X-linked severe combined immunodeficiency. Last evaluated: 2020-12-15. Review status: no assertion criteria provided. Collection method: clinical testing. Allele origin: germline. Not counted in ClinVar's aggregate classification.